The following is an entry in ClinVar:

NM_001099287.2(NIPAL4):c.1213T>C (p.Ter405Arg)

Gene: NIPAL4 (NIPA like domain containing 4; plus strand). Cytogenetic location: 5q33.3.
Variant type: single nucleotide variant.
Coding change: c.1213T>C on transcript NM_001099287.2 (MANE Select); coding-DNA position 1213, T replaced by C.
Protein change: p.Ter405Arg.
Molecular consequence: stop lost.
Genome position (GRCh38, 1-based): chr5:157,472,958, T>C. VCF-style: chr5-157472958-T-C. GRCh37 (hg19) VCF-style: chr5-156899966-T-C.
Other names: c.1156T>C, p.Ter386Arg (NM_001172292.2).
Identifiers: ClinVar variation 4887251 (VCV004887251.1).

ClinVar aggregate classification (germline): Uncertain significance (1 of 4 stars; one submission).

Submission:

Women's Health and Genetics/Laboratory Corporation of America, LabCorp
Classification: Uncertain significance. Last evaluated: 2026-06-15. Review status: criteria provided, single submitter. Criteria: LabCorp Variant Classification Summary - May 2015. Collection method: clinical testing. Allele origin: germline.
Comment: Variant summary: NIPAL4 c.1213T>C (p.X405ArgextX69) changes the termination codon and is predicted to lead to an extended protein with additional amino acids added to the normal C-terminus. The variant was absent in 163058 control chromosomes. The available data on variant occurrences in the general population are insufficient to allow any conclusion about variant significance. To our knowledge, no occurrence of c.1213T>C in individuals affected with NIPAL4-related conditions and no experimental evidence demonstrating its impact on protein function have been reported. No submitters have cited clinical-significance assessments for this variant to ClinVar. Based on the evidence outlined above, the variant was classified as uncertain significance.